The following is an entry in ClinVar:

NM_015409.5(EP400):c.3039C>T (p.Ile1013=)

Genes: EP400 (E1A binding protein p400; plus strand), LOC126861695 (CDK7 strongly-dependent group 2 enhancer GRCh37_chr12:132490339-132491538; plus strand). Cytogenetic location: 12q24.33.
Variant type: single nucleotide variant.
Coding change: c.3039C>T on transcript NM_015409.5 (MANE Select); coding-DNA position 3039, C replaced by T.
Protein change: p.Ile1013=; no amino-acid change (isoleucine 1013 retained).
Molecular consequence: synonymous variant.
Genome position (GRCh38, 1-based): chr12:132,006,215, C>T. VCF-style: chr12-132006215-C-T. GRCh37 (hg19) VCF-style: chr12-132490760-C-T.
Identifiers: ClinVar variation 778690 (VCV000778690.7), dbSNP rs113601340, ClinGen allele CA6885278.
Genomic context (GRCh38, chr12:132,006,215, plus strand): 5'-GGTTCTCATCGACTCGCTTTTCATCATGGATCAGTTCAAAGCTGCCGAGAGGATGAATAT[C>T]GGGAAGCCAAACGCCAAGGACATTGCGGACGTCACTGCGGTGGCTGAAGCCATCCTGCCG-3'
Protein context (NP_056224.3, residues 1003-1023): DQFKAAERMN[Ile1013=]GKPNAKDIAD

ClinVar aggregate classification (germline): Benign. Review status: criteria provided, multiple submitters, no conflicts (2 of 4 stars). 3 submissions from 3 submitters: Benign (2). 1 of the submissions does not count toward it. Last evaluated 2019-12-31.

Conditions:
EP400-related disorder. Also called: EP400-related condition.

Allele frequency attached by ClinVar (database versions not stated): gnomAD exomes 0.00162 and 0.00416; ExAC 0.00501; gnomAD 0.01566 and 0.01688; 1000 Genomes Project 0.01617; ESP Exome Variant Server 0.01653; TOPMed 0.01676; 1000 Genomes Project 30x 0.01702.
gnomAD v4.1: 4,892 of 1,614,144 alleles (0.3%); highest among the groups gnomAD compares: African/African-American, 5.4%; 110 homozygotes.

Submissions (3):

Labcorp Genetics (formerly Invitae), Labcorp
Classification: Benign. Last evaluated: 2019-12-31. Review status: criteria provided, single submitter. Criteria: Invitae Variant Classification Sherloc (09022015). Collection method: clinical testing. Allele origin: germline.

Breakthrough Genomics
Classification: Benign. Review status: criteria provided, single submitter. Criteria: ACMG Guidelines, 2015. Collection method: not provided. Allele origin: germline. Inheritance: Unknown mechanism. Affected: yes.

PreventionGenetics, part of Exact Sciences
Classification: Likely benign for EP400-related condition. Last evaluated: 2020-02-17. Review status: no assertion criteria provided. Collection method: clinical testing. Allele origin: germline. Not counted in ClinVar's aggregate classification.
Comment: This variant is classified as likely benign based on ACMG/AMP sequence variant interpretation guidelines (Richards et al. 2015 PMID: 25741868, with internal and published modifications).